The following is an entry in ClinVar:

ClinVar aggregate classification (germline): Uncertain significance (1 of 4 stars; one submission).

Allele frequency attached by ClinVar (database versions not stated): TOPMed below 0.00001.

Submission:

Labcorp Genetics (formerly Invitae), Labcorp
Classification: Uncertain significance. Last evaluated: 2022-09-13. Review status: criteria provided, single submitter. Criteria: Invitae Variant Classification Sherloc (09022015). Collection method: clinical testing. Allele origin: germline.
Comment: This sequence change replaces alanine, which is neutral and non-polar, with threonine, which is neutral and polar, at codon 1366 of the GPR179 protein (p.Ala1366Thr). This variant is present in population databases (no rsID available, gnomAD 0.01%). This variant has not been reported in the literature in individuals affected with GPR179-related conditions. Algorithms developed to predict the effect of missense changes on protein structure and function output the following: SIFT: "Tolerated"; PolyPhen-2: "Benign"; Align-GVGD: "Class C0". The threonine amino acid residue is found in multiple mammalian species, which suggests that this missense change does not adversely affect protein function. In summary, the available evidence is currently insufficient to determine the role of this variant in disease. Therefore, it has been classified as a Variant of Uncertain Significance.

NM_001004334.4(GPR179):c.4096G>A (p.Ala1366Thr)

Gene: GPR179 (G protein-coupled receptor 179; minus strand). Cytogenetic location: 17q12.
Variant type: single nucleotide variant.
Coding change: c.4096G>A on transcript NM_001004334.4 (MANE Select); coding-DNA position 4096, G replaced by A.
Protein change: p.Ala1366Thr; replaces alanine 1366 with threonine.
Molecular consequence: missense variant.
Genome position (GRCh38, 1-based): chr17:38,329,473, C>T on the plus strand (G>A on the coding strand, the complement: GPR179 is on the minus strand). VCF-style: chr17-38329473-C-T. GRCh37 (hg19) VCF-style: chr17-36485356-C-T.
Other names: short protein forms A1366T.
Identifiers: ClinVar variation 1993639 (VCV001993639.4), dbSNP rs1484326231, ClinGen allele CA398877636.